The following is an entry in ClinVar:

NM_000102.4(CYP17A1):c.1408G>C (p.Asp470His)

Gene: CYP17A1 (cytochrome P450 family 17 subfamily A member 1; minus strand). Cytogenetic location: 10q24.32.
Variant type: single nucleotide variant.
Coding change: c.1408G>C on transcript NM_000102.4 (MANE Select); coding-DNA position 1408, G replaced by C.
Protein change: p.Asp470His; replaces aspartic acid 470 with histidine.
Molecular consequence: missense variant.
Genome position (GRCh38, 1-based): chr10:102,830,821, C>G on the plus strand (G>C on the coding strand, the complement: CYP17A1 is on the minus strand). VCF-style: chr10-102830821-C-G. GRCh37 (hg19) VCF-style: chr10-104590578-C-G.
Other names: short protein forms D470H.
Identifiers: ClinVar variation 1987707 (VCV001987707.1), dbSNP rs781451590, ClinGen allele CA5669326.
Genomic context (GRCh38, chr10:102,830,821, plus strand): 5'-TGAAAGAGTCGATCAGAAAGACCACCTTGGGGATGCCTTCCAGGGAGGGCAGCTGCCCAT[C>G]ATCTGGCACCTCCAGGTCGAACCTCTGCAGCAGCCAGGCCATGATGAGGAAGAGCTCCTG-3'
Protein context (NP_000093.1, residues 460-480): LQRFDLEVPD[Asp470His]GQLPSLEGIP

ClinVar aggregate classification (germline): Uncertain significance (1 of 4 stars; one submission).

gnomAD v4.1: 6 of 1,595,044 alleles (0.00038%); highest among the groups gnomAD compares: South Asian, 0.0022%; no homozygotes.

Submission:

Labcorp Genetics (formerly Invitae), Labcorp
Classification: Uncertain significance. Last evaluated: 2022-05-03. Review status: criteria provided, single submitter. Criteria: Invitae Variant Classification Sherloc (09022015). Collection method: clinical testing. Allele origin: germline.
Comment: This sequence change replaces aspartic acid, which is acidic and polar, with histidine, which is basic and polar, at codon 470 of the CYP17A1 protein (p.Asp470His). This variant is present in population databases (rs781451590, gnomAD 0.004%). This variant has not been reported in the literature in individuals affected with CYP17A1-related conditions. Algorithms developed to predict the effect of missense changes on protein structure and function (SIFT, PolyPhen-2, Align-GVGD) all suggest that this variant is likely to be disruptive. In summary, the available evidence is currently insufficient to determine the role of this variant in disease. Therefore, it has been classified as a Variant of Uncertain Significance.